The following is an entry in ClinVar:

ClinVar aggregate classification (germline): Uncertain significance (1 of 4 stars; one submission).

Conditions:
Myofibrillar myopathy 5. Also called: Filaminopathy (type); FILAMINOPATHY, AUTOSOMAL DOMINANT. Identifiers: Orphanet 171445, MedGen C1836050, MONDO:0012289, OMIM 609524.
Distal myopathy with posterior leg and anterior hand involvement. Also called: WILLIAMS DISTAL MYOPATHY. Identifiers: Orphanet 63273, MedGen C3279722, MONDO:0013550, OMIM 614065.
Hypertrophic cardiomyopathy 26. Also called: Cardiomyopathy, familial hypertrophic, 26. Identifiers: Orphanet 75249, MedGen C4310749, MONDO:0014883, OMIM 617047.
Dilated Cardiomyopathy, Dominant.

Allele frequency attached by ClinVar (database versions not stated): gnomAD 0.00001; gnomAD exomes 0.00001.

Submission:

Labcorp Genetics (formerly Invitae), Labcorp
Classification: Uncertain significance for Distal myopathy with posterior leg and anterior hand involvement; Myofibrillar myopathy 5; Hypertrophic cardiomyopathy 26. Last evaluated: 2021-08-20. Review status: criteria provided, single submitter. Criteria: Invitae Variant Classification Sherloc (09022015). Collection method: clinical testing. Allele origin: germline.
Comment: This sequence change replaces cysteine with tyrosine at codon 1103 of the FLNC protein (p.Cys1103Tyr). The cysteine residue is moderately conserved and there is a large physicochemical difference between cysteine and tyrosine. This variant is not present in population databases (ExAC no frequency). This variant has not been reported in the literature in individuals affected with FLNC-related conditions. Algorithms developed to predict the effect of missense changes on protein structure and function are either unavailable or do not agree on the potential impact of this missense change (SIFT: "Deleterious"; PolyPhen-2: "Probably Damaging"; Align-GVGD: "Class C0"). In summary, the available evidence is currently insufficient to determine the role of this variant in disease. Therefore, it has been classified as a Variant of Uncertain Significance.

NM_001458.5(FLNC):c.3308G>A (p.Cys1103Tyr)

Gene: FLNC (filamin C; plus strand). Cytogenetic location: 7q32.1.
Variant type: single nucleotide variant.
Coding change: c.3308G>A on transcript NM_001458.5 (MANE Select); coding-DNA position 3308, G replaced by A.
Protein change: p.Cys1103Tyr; replaces cysteine 1103 with tyrosine.
Molecular consequence: missense variant.
Genome position (GRCh38, 1-based): chr7:128,844,773, G>A. VCF-style: chr7-128844773-G-A. GRCh37 (hg19) VCF-style: chr7-128484827-G-A.
Other names: c.3308G>A, p.Cys1103Tyr (NM_001127487.2); short protein forms C1103Y.
Identifiers: ClinVar variation 1375315 (VCV001375315.5), dbSNP rs1238364459, ClinGen allele CA369196419.